The following is an entry in ClinVar:

ClinVar aggregate classification (germline): Conflicting classifications of pathogenicity. Review status: criteria provided, conflicting classifications (1 of 4 stars). 2 submissions from 2 submitters: Likely pathogenic (1); Uncertain significance (1). Last evaluated 2025-06-10.

gnomAD v4.1: 3 of 1,613,264 alleles (0.00019%); highest among the groups gnomAD compares: South Asian, 0.0022%; no homozygotes.

Submissions (2):

Women's Health and Genetics/Laboratory Corporation of America, LabCorp
Classification: Uncertain significance. Last evaluated: 2025-06-10. Review status: criteria provided, single submitter. Criteria: LabCorp Variant Classification Summary - May 2015. Collection method: clinical testing. Allele origin: germline.
Comment: Variant summary: POMGNT1 c.1826G>C (p.Arg609Pro) results in a non-conservative amino acid change in the encoded protein sequence. Algorithms developed to predict the effect of missense changes on protein structure and function are either unavailable or do not agree on the potential impact of this missense change. The variant allele was found at a frequency of 4e-06 in 249654 control chromosomes. The available data on variant occurrences in the general population are insufficient to allow any conclusion about variant significance. c.1826G>C has been observed in at least one compound heterozygous individual affected with congenital muscle dystrophy (e.g. Masri_2022). These data do not allow any conclusion about variant significance. To our knowledge, no experimental evidence demonstrating an impact on protein function has been reported. The following publication has been ascertained in the context of this evaluation (PMID: 35533453). ClinVar contains an entry for this variant (Variation ID: 2430710). Based on the evidence outlined above, the variant was classified as uncertain significance.

GeneDx
Classification: Likely pathogenic. Last evaluated: 2022-07-21. Review status: criteria provided, single submitter. Criteria: GeneDx Variant Classification Process June 2021. Collection method: clinical testing. Allele origin: germline. Affected: yes.
Comment: Not observed at significant frequency in large population cohorts (gnomAD); In silico analysis supports that this missense variant has a deleterious effect on protein structure/function; This variant is associated with the following publications: (PMID: Masri2022[preprint])

Literature cited by the submitters: PubMed 35533453 (cited by Women's Health and Genetics/Laboratory Corporation of America, LabCorp).

NM_017739.4(POMGNT1):c.1826G>C (p.Arg609Pro)

Genes: POMGNT1 (protein O-linked mannose N-acetylglucosaminyltransferase 1 (beta 1,2-); minus strand), TSPAN1 (tetraspanin 1; plus strand). Cytogenetic location: 1p34.1.
Variant type: single nucleotide variant.
Coding change: c.1826G>C on transcript NM_017739.4 (MANE Select); coding-DNA position 1826, G replaced by C.
Protein change: p.Arg609Pro; replaces arginine 609 with proline.
Molecular consequence: missense variant.
Genome position (GRCh38, 1-based): chr1:46,189,527, C>G on the plus strand (G>C on the coding strand, the complement: POMGNT1 is on the minus strand). VCF-style: chr1-46189527-C-G. GRCh37 (hg19) VCF-style: chr1-46655199-C-G.
Other names: c.1826G>C, p.Arg609Pro (NM_001243766.2, NM_001410783.1); c.1760G>C, p.Arg587Pro (NM_001290129.3); c.1397G>C, p.Arg466Pro (NM_001290130.2); short protein forms R466P, R587P, R609P.
Identifiers: ClinVar variation 2430710 (VCV002430710.1), dbSNP rs371741722, ClinGen allele CA833218.